The following is an entry in ClinVar:

ClinVar aggregate classification (germline): Uncertain significance. Review status: criteria provided, multiple submitters, no conflicts (2 of 4 stars). 2 submissions from 2 submitters: Uncertain significance (2). Last evaluated 2023-06-16.

Conditions:
Renal cell carcinoma. Identifiers: Orphanet 217071, MedGen C0007134, MeSH D002292, MONDO:0005086, HP:0005584.

Allele frequency attached by ClinVar (database versions not stated): gnomAD 0.00001; 1000 Genomes Project 30x 0.00016.
gnomAD v4.1: 1 of 1,613,384 alleles (0.000062%); highest among the groups gnomAD compares: African/African-American, 0.0013%; no homozygotes.

Submissions (2):

GeneDx
Classification: Uncertain significance. Last evaluated: 2023-06-16. Review status: criteria provided, single submitter. Criteria: GeneDx Variant Classification Process June 2021. Collection method: clinical testing. Allele origin: germline. Affected: yes.
Comment: Not observed at significant frequency in large population cohorts (gnomAD); In silico analysis suggests this variant may impact gene splicing. In the absence of RNA/functional studies, the actual effect of this sequence change is unknown.; In silico analysis supports that this missense variant has a deleterious effect on protein structure/function; Has not been previously published as pathogenic or benign to our knowledge

Labcorp Genetics (formerly Invitae), Labcorp
Classification: Uncertain significance for Renal cell carcinoma. Last evaluated: 2020-08-01. Review status: criteria provided, single submitter. Criteria: Invitae Variant Classification Sherloc (09022015). Collection method: clinical testing. Allele origin: germline.
Comment: This sequence change replaces glycine with aspartic acid at codon 774 of the MET protein (p.Gly774Asp). The glycine residue is highly conserved and there is a moderate physicochemical difference between glycine and aspartic acid. This variant is not present in population databases (ExAC no frequency). This variant has not been reported in the literature in individuals with MET-related conditions. Algorithms developed to predict the effect of missense changes on protein structure and function are either unavailable or do not agree on the potential impact of this missense change (SIFT: "Deleterious"; PolyPhen-2: "Probably Damaging"; Align-GVGD: "Class C0"). In summary, the available evidence is currently insufficient to determine the role of this variant in disease. Therefore, it has been classified as a Variant of Uncertain Significance.

NM_000245.4(MET):c.2267G>A (p.Gly756Asp)

Gene: MET (MET proto-oncogene, receptor tyrosine kinase; plus strand). Cytogenetic location: 7q31.2.
Variant type: single nucleotide variant.
Coding change: c.2267G>A on transcript NM_000245.4 (MANE Select); coding-DNA position 2267, G replaced by A.
Protein change: p.Gly756Asp; replaces glycine 756 with aspartic acid.
Molecular consequence: missense variant.
Genome position (GRCh38, 1-based): chr7:116,759,393, G>A. VCF-style: chr7-116759393-G-A. GRCh37 (hg19) VCF-style: chr7-116399447-G-A.
Other names: c.2321G>A, p.Gly774Asp (NM_001127500.3); c.2267G>A, p.Gly756Asp (NM_001324401.3); c.977G>A, p.Gly326Asp (NM_001324402.2); c.2321G>A (NM_001127500.1); short protein forms G326D, G756D, G774D.
Identifiers: ClinVar variation 1009117 (VCV001009117.10), dbSNP rs1794309303, ClinGen allele CA368981930.